The following is an entry in ClinVar:

NM_003737.4(DCHS1):c.3343G>T (p.Ala1115Ser)

Gene: DCHS1 (dachsous cadherin-related 1; minus strand). Cytogenetic location: 11p15.4.
Variant type: single nucleotide variant.
Coding change: c.3343G>T on transcript NM_003737.4 (MANE Select); coding-DNA position 3343, G replaced by T.
Protein change: p.Ala1115Ser; replaces alanine 1115 with serine.
Molecular consequence: missense variant.
Genome position (GRCh38, 1-based): chr11:6,632,169, C>A on the plus strand (G>T on the coding strand, the complement: DCHS1 is on the minus strand). VCF-style: chr11-6632169-C-A. GRCh37 (hg19) VCF-style: chr11-6653400-C-A.
Other names: short protein forms A1115S.
Identifiers: ClinVar variation 3622133 (VCV003622133.2).

ClinVar aggregate classification (germline): Uncertain significance (1 of 4 stars; one submission).

Submission:

Labcorp Genetics (formerly Invitae), Labcorp
Classification: Uncertain significance. Last evaluated: 2024-10-13. Review status: criteria provided, single submitter. Criteria: Invitae Variant Classification Sherloc (09022015). Collection method: clinical testing. Allele origin: germline.
Comment: This sequence change replaces alanine, which is neutral and non-polar, with serine, which is neutral and polar, at codon 1115 of the DCHS1 protein (p.Ala1115Ser). This variant is not present in population databases (gnomAD no frequency). This variant has not been reported in the literature in individuals affected with DCHS1-related conditions. Invitae Evidence Modeling of protein sequence and biophysical properties (such as structural, functional, and spatial information, amino acid conservation, physicochemical variation, residue mobility, and thermodynamic stability) has been performed for this missense variant. However, the output from this modeling did not meet the statistical confidence thresholds required to predict the impact of this variant on DCHS1 protein function. In summary, the available evidence is currently insufficient to determine the role of this variant in disease. Therefore, it has been classified as a Variant of Uncertain Significance.